The following is an entry in ClinVar:

ClinVar aggregate classification (germline): Uncertain significance (1 of 4 stars; one submission).

Allele frequency attached by ClinVar (database versions not stated): gnomAD exomes below 0.00001; ExAC 0.00003.
gnomAD v4.1: 1 of 1,559,140 alleles (0.000064%); highest among the groups gnomAD compares: South Asian, 0.0012%; no homozygotes.

Submission:

GeneDx
Classification: Uncertain significance. Last evaluated: 2020-02-10. Review status: criteria provided, single submitter. Criteria: GeneDx Variant Classification Process June 2021. Collection method: clinical testing. Allele origin: germline. Affected: yes.
Comment: In silico analysis supports that this missense variant does not alter protein structure/function; Has not been previously published as pathogenic or benign to our knowledge

NM_001127222.2(CACNA1A):c.2828G>A (p.Arg943His)

Gene: CACNA1A (calcium voltage-gated channel subunit alpha1 A; minus strand). Cytogenetic location: 19p13.13.
Variant type: single nucleotide variant.
Coding change: c.2828G>A on transcript NM_001127222.2 (MANE Select); coding-DNA position 2828, G replaced by A.
Protein change: p.Arg943His; replaces arginine 943 with histidine.
Molecular consequence: missense variant.
Genome position (GRCh38, 1-based): chr19:13,298,805, C>T on the plus strand (G>A on the coding strand, the complement: CACNA1A is on the minus strand). VCF-style: chr19-13298805-C-T. GRCh37 (hg19) VCF-style: chr19-13409619-C-T.
Other names: c.2840G>A, p.Arg947His (NM_000068.4, NM_023035.3); c.2831G>A, p.Arg944His (NM_001127221.2, NM_001174080.2); short protein forms R943H, R944H, R947H.
Identifiers: ClinVar variation 1315381 (VCV001315381.2), dbSNP rs753862352, ClinGen allele CA9240463.